The following is an entry in ClinVar:

ClinVar aggregate classification (germline): Uncertain significance (1 of 4 stars; one submission).

Submission:

Labcorp Genetics (formerly Invitae), Labcorp
Classification: Uncertain significance. Last evaluated: 2025-07-09. Review status: criteria provided, single submitter. Criteria: Invitae Variant Classification Sherloc (09022015). Collection method: clinical testing. Allele origin: germline.
Comment: This sequence change replaces aspartic acid, which is acidic and polar, with glutamic acid, which is acidic and polar, at codon 206 of the PDX1 protein (p.Asp206Glu). This variant is not present in population databases (gnomAD no frequency). This variant has not been reported in the literature in individuals affected with PDX1-related conditions. Invitae Evidence Modeling of protein sequence and biophysical properties (such as structural, functional, and spatial information, amino acid conservation, physicochemical variation, residue mobility, and thermodynamic stability) indicates that this missense variant is not expected to disrupt PDX1 protein function with a negative predictive value of 80%. In summary, the available evidence is currently insufficient to determine the role of this variant in disease. Therefore, it has been classified as a Variant of Uncertain Significance.

NM_000209.4(PDX1):c.618C>G (p.Asp206Glu)

Gene: PDX1 (pancreatic and duodenal homeobox 1; plus strand). Cytogenetic location: 13q12.2.
Variant type: single nucleotide variant.
Coding change: c.618C>G on transcript NM_000209.4 (MANE Select); coding-DNA position 618, C replaced by G.
Protein change: p.Asp206Glu; replaces aspartic acid 206 with glutamic acid.
Molecular consequence: missense variant.
Genome position (GRCh38, 1-based): chr13:27,924,467, C>G. VCF-style: chr13-27924467-C-G. GRCh37 (hg19) VCF-style: chr13-28498604-C-G.
Other names: short protein forms D206E.
Identifiers: ClinVar variation 4780755 (VCV004780755.1).
Genomic context (GRCh38, chr13:27,924,467, plus strand): 5'-CGAGAGACACATCAAGATCTGGTTCCAAAACCGCCGCATGAAGTGGAAAAAGGAGGAGGA[C>G]AAGAAGCGCGGCGGCGGGACAGCTGTCGGGGGTGGCGGGGTCGCGGAGCCTGAGCAGGAC-3'
Protein context (NP_000200.1, residues 196-216): NRRMKWKKEE[Asp206Glu]KKRGGGTAVG